The following is an entry in ClinVar:

ClinVar aggregate classification (germline): Benign (1 of 4 stars; one submission).

Conditions:
Familial cancer of breast. Also called: hereditary breast carcinoma; BREAST CANCER, FAMILIAL; Hereditary breast cancer. Identifiers: Orphanet 227535, MedGen C0346153, MONDO:0016419, OMIM 114480. Disease mechanism: loss of function.

Allele frequency attached by ClinVar (database versions not stated): gnomAD exomes below 0.00001.
gnomAD v4.1: 1 of 1,613,830 alleles (0.000062%); highest among the groups gnomAD compares: Non-Finnish European, 0.000085%; no homozygotes.

Submission:

Myriad Genetics, Inc.
Classification: Benign for Familial cancer of breast. Last evaluated: 2024-06-12. Review status: criteria provided, single submitter. Criteria: Myriad Autosomal Dominant, Autosomal Recessive and X-Linked Classification Criteria (2023). Collection method: clinical testing. Allele origin: unknown.
Comment: This variant is considered benign. This variant is a silent/synonymous amino acid change and it is not expected to impact splicing.

NM_000051.4(ATM):c.6877C>T (p.Leu2293=)

Genes: ATM (ATM serine/threonine kinase; plus strand), C11orf65 (chromosome 11 open reading frame 65; minus strand). Cytogenetic location: 11q22.3.
Variant type: single nucleotide variant.
Coding change: c.6877C>T on transcript NM_000051.4 (MANE Select); coding-DNA position 6877, C replaced by T.
Protein change: p.Leu2293=; no amino-acid change (leucine 2293 retained).
Molecular consequence: synonymous variant. On other transcripts: intron variant (2).
Genome position (GRCh38, 1-based): chr11:108,326,127, C>T. VCF-style: chr11-108326127-C-T. GRCh37 (hg19) VCF-style: chr11-108196854-C-T.
Other names: c.6877C>T, p.Leu2293= (NM_001351834.2); c.641-17056G>A (NM_001330368.2); c.*38+9093G>A (NM_001351110.2).
Identifiers: ClinVar variation 3254438 (VCV003254438.1), dbSNP rs755170556.